The following is an entry in ClinVar:

ClinVar aggregate classification (germline): Uncertain significance (1 of 4 stars; one submission).

gnomAD v4.1: 4 of 1,614,158 alleles (0.00025%); highest among the groups gnomAD compares: Non-Finnish European, 0.00034%; no homozygotes.

Submission:

Labcorp Genetics (formerly Invitae), Labcorp
Classification: Uncertain significance. Last evaluated: 2025-07-06. Review status: criteria provided, single submitter. Criteria: Invitae Variant Classification Sherloc (09022015). Collection method: clinical testing. Allele origin: germline.
Comment: This sequence change replaces glutamine, which is neutral and polar, with leucine, which is neutral and non-polar, at codon 1603 of the MYO5B protein (p.Gln1603Leu). This variant is present in population databases (no rsID available, gnomAD 0.0009%). This variant has not been reported in the literature in individuals affected with MYO5B-related conditions. Invitae Evidence Modeling of protein sequence and biophysical properties (such as structural, functional, and spatial information, amino acid conservation, physicochemical variation, residue mobility, and thermodynamic stability) indicates that this missense variant is expected to disrupt MYO5B protein function with a positive predictive value of 80%. In summary, the available evidence is currently insufficient to determine the role of this variant in disease. Therefore, it has been classified as a Variant of Uncertain Significance.

NM_001080467.3(MYO5B):c.4808A>T (p.Gln1603Leu)

Genes: MYO5B (myosin VB; minus strand), SNHG22 (small nucleolar RNA host gene 22; plus strand). Cytogenetic location: 18q21.1.
Variant type: single nucleotide variant.
Coding change: c.4808A>T on transcript NM_001080467.3 (MANE Select); coding-DNA position 4808, A replaced by T.
Protein change: p.Gln1603Leu; replaces glutamine 1603 with leucine.
Molecular consequence: missense variant.
Genome position (GRCh38, 1-based): chr18:49,839,188, T>A on the plus strand (A>T on the coding strand, the complement: MYO5B is on the minus strand). VCF-style: chr18-49839188-T-A. GRCh37 (hg19) VCF-style: chr18-47365558-T-A.
Other names: short protein forms Q1603L.
Identifiers: ClinVar variation 4704792 (VCV004704792.1).